The following is an entry in ClinVar:

ClinVar aggregate classification (germline): Conflicting classifications of pathogenicity. Review status: criteria provided, conflicting classifications (1 of 4 stars). 4 submissions from 4 submitters: Uncertain significance (1); Likely benign (3). Last evaluated 2026-03-23.

Conditions:
GNB4-related disorder. Also called: GNB4-related condition.
Inborn genetic diseases. Identifiers: MedGen C0950123, MeSH D030342.
Charcot-Marie-Tooth disease dominant intermediate F. Identifiers: Orphanet 352670, MedGen C4749463, MONDO:0014074, OMIM 615185.

Allele frequency attached by ClinVar (database versions not stated): ExAC 0.00007; gnomAD 0.00007 and 0.00008; gnomAD exomes 0.00009 and 0.00010; TOPMed 0.00009; ESP Exome Variant Server 0.00023.
gnomAD v4.1: 141 of 1,602,860 alleles (0.0088%); highest among the groups gnomAD compares: Non-Finnish European, 0.011%; no homozygotes.

Submissions (4):

PreventionGenetics, part of Exact Sciences
Classification: Likely benign for GNB4-related condition. Last evaluated: 2026-03-23. Review status: criteria provided, single submitter. Criteria: ACMG Guidelines, 2015. Collection method: clinical testing. Allele origin: germline.
Comment: This variant is classified as likely benign based on ACMG/AMP sequence variant interpretation guidelines (Richards et al. 2015 PMID: 25741868, with internal and published modifications).

Women's Health and Genetics/Laboratory Corporation of America, LabCorp
Classification: Likely benign. Last evaluated: 2025-10-30. Review status: criteria provided, single submitter. Criteria: LabCorp Variant Classification Summary - May 2015. Collection method: clinical testing. Allele origin: germline.
Comment: Variant summary: GNB4 c.44G>A (p.Arg15Gln) results in a conservative amino acid change in the encoded protein sequence. Algorithms developed to predict the effect of missense changes on protein structure and function are either unavailable or do not agree on the potential impact of this missense change. The variant allele was found at a frequency of 9.6e-05 in 240434 control chromosomes. The observed variant frequency exceeds the estimated maximal expected allele frequency for disease-causing variants in GNB4. To our knowledge, no occurrence of c.44G>A in individuals affected with GNB4-related conditions and no experimental evidence demonstrating its impact on protein function have been reported. ClinVar contains an entry for this variant (Variation ID: 572522). Based on the evidence outlined above, the variant was classified as likely benign.

Labcorp Genetics (formerly Invitae), Labcorp
Classification: Uncertain significance for Charcot-Marie-Tooth disease dominant intermediate F. Last evaluated: 2024-11-03. Review status: criteria provided, single submitter. Criteria: Invitae Variant Classification Sherloc (09022015). Collection method: clinical testing. Allele origin: germline.
Comment: This sequence change replaces arginine, which is basic and polar, with glutamine, which is neutral and polar, at codon 15 of the GNB4 protein (p.Arg15Gln). This variant is present in population databases (rs138187021, gnomAD 0.01%). This variant has not been reported in the literature in individuals affected with GNB4-related conditions. ClinVar contains an entry for this variant (Variation ID: 572522). Invitae Evidence Modeling of protein sequence and biophysical properties (such as structural, functional, and spatial information, amino acid conservation, physicochemical variation, residue mobility, and thermodynamic stability) indicates that this missense variant is not expected to disrupt GNB4 protein function with a negative predictive value of 95%. In summary, the available evidence is currently insufficient to determine the role of this variant in disease. Therefore, it has been classified as a Variant of Uncertain Significance.

Ambry Genetics
Classification: Likely benign for Inborn genetic diseases. Last evaluated: 2020-08-12. Review status: criteria provided, single submitter. Criteria: Ambry Variant Classification Scheme 2023. Collection method: clinical testing. Allele origin: germline.

NM_021629.4(GNB4):c.44G>A (p.Arg15Gln)

Gene: GNB4 (G protein subunit beta 4; minus strand). Cytogenetic location: 3q26.33.
Variant type: single nucleotide variant.
Coding change: c.44G>A on transcript NM_021629.4 (MANE Select); coding-DNA position 44, G replaced by A.
Protein change: p.Arg15Gln; replaces arginine 15 with glutamine.
Molecular consequence: missense variant.
Genome position (GRCh38, 1-based): chr3:179,426,157, C>T on the plus strand (G>A on the coding strand, the complement: GNB4 is on the minus strand). VCF-style: chr3-179426157-C-T. GRCh37 (hg19) VCF-style: chr3-179143945-C-T.
Other names: short protein forms R15Q.
Identifiers: ClinVar variation 572522 (VCV000572522.17), dbSNP rs138187021, ClinGen allele CA2712633.